The following is an entry in ClinVar:

ClinVar aggregate classification (germline): Uncertain significance (1 of 4 stars; one submission).

gnomAD v4.1: 5 of 1,613,812 alleles (0.00031%); highest among the groups gnomAD compares: Non-Finnish European, 0.00017%; 1 homozygote.

Submission:

Labcorp Genetics (formerly Invitae), Labcorp
Classification: Uncertain significance. Last evaluated: 2024-04-27. Review status: criteria provided, single submitter. Criteria: Invitae Variant Classification Sherloc (09022015). Collection method: clinical testing. Allele origin: germline.
Comment: This sequence change replaces valine, which is neutral and non-polar, with isoleucine, which is neutral and non-polar, at codon 2332 of the ITPR1 protein (p.Val2332Ile). This variant is present in population databases (no rsID available, gnomAD 0.0009%). This variant has not been reported in the literature in individuals affected with ITPR1-related conditions. Advanced modeling of protein sequence and biophysical properties (such as structural, functional, and spatial information, amino acid conservation, physicochemical variation, residue mobility, and thermodynamic stability) performed at Invitae indicates that this missense variant is not expected to disrupt ITPR1 protein function with a negative predictive value of 95%. In summary, the available evidence is currently insufficient to determine the role of this variant in disease. Therefore, it has been classified as a Variant of Uncertain Significance.

NM_001378452.1(ITPR1):c.7183G>A (p.Val2395Ile)

Gene: ITPR1 (inositol 1,4,5-trisphosphate receptor type 1; plus strand). Cytogenetic location: 3p26.1.
Variant type: single nucleotide variant.
Coding change: c.7183G>A on transcript NM_001378452.1 (MANE Select); coding-DNA position 7183, G replaced by A.
Protein change: p.Val2395Ile; replaces valine 2395 with isoleucine.
Molecular consequence: missense variant.
Genome position (GRCh38, 1-based): chr3:4,806,178, G>A. VCF-style: chr3-4806178-G-A. GRCh37 (hg19) VCF-style: chr3-4847862-G-A.
Other names: c.7039G>A, p.Val2347Ile (NM_001099952.4); c.7138G>A, p.Val2380Ile (NM_001168272.2); c.6994G>A, p.Val2332Ile (NM_002222.7); short protein forms V2332I, V2347I, V2380I, V2395I.
Identifiers: ClinVar variation 3615906 (VCV003615906.2).